The following is an entry in ClinVar:

NM_001134831.2(AHI1):c.2703_2707dup (p.Ala903fs)

Gene: AHI1 (Abelson helper integration site 1; minus strand). Cytogenetic location: 6q23.3.
Variant type: Duplication.
Coding change: c.2703_2707dup on transcript NM_001134831.2 (MANE Select); coding-DNA positions 2703 to 2707, 5 bases duplicated (GGTTG; older notation c.2703_2707dupGGTTG).
Protein change: p.Ala903fs; shifts the reading frame from alanine 903.
Molecular consequence: frameshift variant.
Genome position (GRCh38, 1-based): chr6:135,427,224-135,427,228, CAACC duplicated on the plus strand (GGTTG on the coding strand, the reverse complement: AHI1 is on the minus strand). VCF-style (leftmost placement, unchanged base first): chr6-135427223-G-GCAACC. GRCh37 (hg19) VCF-style: chr6-135748361-G-GCAACC.
Other names: c.2703_2707dup, p.Ala903fs (NM_001134830.2, NM_001134832.2, NM_001350503.2 and 2 more transcripts); short protein forms A903fs.
Identifiers: ClinVar variation 2752790 (VCV002752790.3), dbSNP rs1223838167, ClinGen allele CA570556730.
Genomic context (GRCh38, chr6:135,427,223, plus strand): 5'-TTACCATGGAAATCGTAAATATACAGAAGAATTGGCTCATTTTGCCCAAATGCACAGAAT[G>GCAACC]CAACCATATTTTCAAATGGATGATAAGAAATGTCTCGAATGGGTGACTTGAATGGCAAGT-3'

ClinVar aggregate classification (germline): Pathogenic (1 of 4 stars; one submission).

Conditions:
Joubert syndrome. Also called: CEREBELLOPARENCHYMAL DISORDER IV; JOUBERT-BOLTSHAUSER SYNDROME; Familial aplasia of the vermis. Identifiers: Orphanet 475, MedGen C5979921, MONDO:0018772.

Submission:

Labcorp Genetics (formerly Invitae), Labcorp
Classification: Pathogenic for Joubert syndrome. Last evaluated: 2023-08-16. Review status: criteria provided, single submitter. Criteria: Invitae Variant Classification Sherloc (09022015). Collection method: clinical testing. Allele origin: germline.
Comment: This sequence change creates a premature translational stop signal (p.Ala903Glyfs*78) in the AHI1 gene. It is expected to result in an absent or disrupted protein product. Loss-of-function variants in AHI1 are known to be pathogenic (PMID: 15322546, 16453322, 28442542, 29186038). This variant is present in population databases (no rsID available, gnomAD 0.01%). This variant has not been reported in the literature in individuals affected with AHI1-related conditions. For these reasons, this variant has been classified as Pathogenic.

Literature cited by the submitters: PubMed 15322546; PubMed 16453322; PubMed 28442542; PubMed 29186038.